The following is an entry in ClinVar:

ClinVar aggregate classification (germline): Uncertain significance. Review status: criteria provided, multiple submitters, no conflicts (2 of 4 stars). 2 submissions from 2 submitters: Uncertain significance (2). Last evaluated 2025-10-03.

Conditions:
SDCCAG8-related disorder. Also called: SDCCAG8-Related Disorders; SDCCAG8-related condition.
Bardet-Biedl syndrome 16 (BBS16). Identifiers: Orphanet 110, MedGen C3889474, MONDO:0014444, OMIM 615993.
Senior-Loken syndrome 7 (SLSN7). Identifiers: Orphanet 3156, MedGen C3150877, MONDO:0013326, OMIM 613615.

Allele frequency attached by ClinVar (database versions not stated): TOPMed below 0.00001; ExAC 0.00002.
gnomAD v4.1: 5 of 1,603,884 alleles (0.00031%); highest among the groups gnomAD compares: Admixed American, 0.0033%; no homozygotes.

Submissions (2):

Labcorp Genetics (formerly Invitae), Labcorp
Classification: Uncertain significance for Bardet-Biedl syndrome 16; Senior-Loken syndrome 7. Last evaluated: 2025-10-03. Review status: criteria provided, single submitter. Criteria: Invitae Variant Classification Sherloc (09022015). Collection method: clinical testing. Allele origin: germline.
Comment: This sequence change replaces asparagine, which is neutral and polar, with aspartic acid, which is acidic and polar, at codon 111 of the SDCCAG8 protein (p.Asn111Asp). This variant is present in population databases (rs759634630, gnomAD 0.003%). This variant has not been reported in the literature in individuals affected with SDCCAG8-related conditions. ClinVar contains an entry for this variant (Variation ID: 2159014). Invitae Evidence Modeling of protein sequence and biophysical properties (such as structural, functional, and spatial information, amino acid conservation, physicochemical variation, residue mobility, and thermodynamic stability) indicates that this missense variant is not expected to disrupt SDCCAG8 protein function with a negative predictive value of 80%. In summary, the available evidence is currently insufficient to determine the role of this variant in disease. Therefore, it has been classified as a Variant of Uncertain Significance.

PreventionGenetics, part of Exact Sciences
Classification: Uncertain significance for SDCCAG8-related condition. Last evaluated: 2025-07-28. Review status: criteria provided, single submitter. Criteria: ACMG Guidelines, 2015. Collection method: clinical testing. Allele origin: germline.
Comment: The SDCCAG8 c.331A>G variant is predicted to result in the amino acid substitution p.Asn111Asp. To our knowledge, this variant has not been reported in the literature. This variant is reported in 0.0029% of alleles in individuals of Latino descent in gnomAD. At this time, the clinical significance of this variant is uncertain due to the absence of conclusive functional and genetic evidence.

NM_006642.5(SDCCAG8):c.331A>G (p.Asn111Asp)

Gene: SDCCAG8 (SHH signaling and ciliogenesis regulator SDCCAG8; plus strand). Cytogenetic location: 1q43.
Variant type: single nucleotide variant.
Coding change: c.331A>G on transcript NM_006642.5 (MANE Select); coding-DNA position 331, A replaced by G.
Protein change: p.Asn111Asp; replaces asparagine 111 with aspartic acid.
Molecular consequence: missense variant. On other transcripts: 5 prime UTR variant (3).
Genome position (GRCh38, 1-based): chr1:243,274,567, A>G. VCF-style: chr1-243274567-A-G. GRCh37 (hg19) VCF-style: chr1-243437869-A-G.
Other names: c.331A>G (NM_006642.3); c.-782A>G (NM_001350246.2); c.-670A>G (NM_001350247.2); c.331A>G, p.Asn111Asp (NM_001350248.2); c.37A>G, p.Asn13Asp (NM_001350249.2); c.-1043A>G (NM_001350251.2); short protein forms N111D, N13D.
Identifiers: ClinVar variation 2159014 (VCV002159014.4), dbSNP rs759634630, ClinGen allele CA1483283.